The following is an entry in ClinVar:

NM_020297.4(ABCC9):c.4109T>A (p.Ile1370Asn)

Genes: ABCC9 (ATP binding cassette subfamily C member 9; minus strand), KCNJ8-AS1 (KCNJ8 antisense RNA 1; plus strand). Cytogenetic location: 12p12.1.
Variant type: single nucleotide variant.
Coding change: c.4109T>A on transcript NM_020297.4 (MANE Select); coding-DNA position 4109, T replaced by A.
Protein change: p.Ile1370Asn; replaces isoleucine 1370 with asparagine.
Molecular consequence: missense variant.
Genome position (GRCh38, 1-based): chr12:21,812,151, A>T on the plus strand (T>A on the coding strand, the complement: ABCC9 is on the minus strand). VCF-style: chr12-21812151-A-T. GRCh37 (hg19) VCF-style: chr12-21965085-A-T.
Other names: c.4109T>A, p.Ile1370Asn (NM_001377273.1, NM_005691.4); c.3242T>A, p.Ile1081Asn (NM_001377274.1); short protein forms I1081N, I1370N.
Identifiers: ClinVar variation 3343173 (VCV003343173.1).
Genomic context (GRCh38, chr12:21,812,151, plus strand): 5'-GAAAGTCTAGAACGTAGTGTGTGCAGTGGTAATTTGGAAATGTCTATCCCATCAATGACA[A>T]TTTTTCCTGTTAAGGAGAAACAGAAGTTACACACACATAGTAAAATCACAAGTAAAATAA-3'
Protein context (NP_064693.2, residues 1360-1380): FRMVDIFDGK[Ile1370Asn]VIDGIDISKL

ClinVar aggregate classification (germline): Uncertain significance (1 of 4 stars; one submission).

Submission:

GeneDx
Classification: Uncertain significance. Last evaluated: 2023-05-01. Review status: criteria provided, single submitter. Criteria: GeneDx Variant Classification Process June 2021. Collection method: clinical testing. Allele origin: germline. Affected: yes.
Comment: Has not been previously published as pathogenic or benign to our knowledge; Not observed at significant frequency in large population cohorts (gnomAD); In silico analysis supports that this missense variant has a deleterious effect on protein structure/function